The following is an entry in ClinVar:

ClinVar aggregate classification (germline): Conflicting classifications of pathogenicity. Review status: criteria provided, conflicting classifications (1 of 4 stars). 2 submissions from 2 submitters: Uncertain significance (1); Likely benign (1). Last evaluated 2025-05-03.

Conditions:
Inborn genetic diseases. Identifiers: MedGen C0950123, MeSH D030342.

Allele frequency attached by ClinVar (database versions not stated): gnomAD exomes below 0.00001 and 0.00001; ExAC 0.00001.
gnomAD v4.1: 5 of 1,614,144 alleles (0.00031%); highest among the groups gnomAD compares: South Asian, 0.0055%; no homozygotes.

Submissions (2):

Ambry Genetics
Classification: Likely benign for Inborn genetic diseases. Last evaluated: 2025-05-03. Review status: criteria provided, single submitter. Criteria: Ambry Variant Classification Scheme 2023. Collection method: clinical testing. Allele origin: germline.

Labcorp Genetics (formerly Invitae), Labcorp
Classification: Uncertain significance. Last evaluated: 2021-12-02. Review status: criteria provided, single submitter. Criteria: Invitae Variant Classification Sherloc (09022015). Collection method: clinical testing. Allele origin: germline.
Comment: This sequence change replaces proline, which is neutral and non-polar, with arginine, which is basic and polar, at codon 389 of the ASXL1 protein (p.Pro389Arg). This variant is present in population databases (rs776891768, gnomAD 0.006%). This variant has not been reported in the literature in individuals affected with ASXL1-related conditions. Algorithms developed to predict the effect of missense changes on protein structure and function are either unavailable or do not agree on the potential impact of this missense change (SIFT: "Tolerated"; PolyPhen-2: "Possibly Damaging"; Align-GVGD: "Class C0"). In summary, the available evidence is currently insufficient to determine the role of this variant in disease. Therefore, it has been classified as a Variant of Uncertain Significance.

NM_015338.6(ASXL1):c.1166C>G (p.Pro389Arg)

Gene: ASXL1 (ASXL transcriptional regulator 1; plus strand). Cytogenetic location: 20q11.21.
Variant type: single nucleotide variant.
Coding change: c.1166C>G on transcript NM_015338.6 (MANE Select); coding-DNA position 1166, C replaced by G.
Protein change: p.Pro389Arg; replaces proline 389 with arginine.
Molecular consequence: missense variant.
Genome position (GRCh38, 1-based): chr20:32,433,364, C>G. VCF-style: chr20-32433364-C-G. GRCh37 (hg19) VCF-style: chr20-31021167-C-G.
Other names: c.983C>G, p.Pro328Arg (NM_001363734.1); c.1166C>G (NM_015338.5); short protein forms P328R, P389R.
Identifiers: ClinVar variation 1487937 (VCV001487937.7), dbSNP rs776891768, ClinGen allele CA9808308.
Genomic context (GRCh38, chr20:32,433,364, plus strand): 5'-AGTCATTGCAGCAGAACGTGGGCCAGGAGGAGGCTGAAATCAAAAGTGGCTTGTGTGTCC[C>G]AGGAGAATCAGTGCGTATACAGCGTGGTCCAGCCACCCGACAGCGAGATGGGCATTTTAA-3'
Protein context (NP_056153.2, residues 379-399): EAEIKSGLCV[Pro389Arg]GESVRIQRGP